The following is an entry in ClinVar:

ClinVar aggregate classification (germline): Likely pathogenic. Review status: criteria provided, single submitter (1 of 4 stars). 2 submissions from 2 submitters: Likely pathogenic (1). 1 of the submissions does not count toward it.

Conditions:
Alzheimer disease, familial, 3, with spastic paraparesis and apraxia. Also called: Alzheimer disease, type 3, with spastic paraparesis and apraxia. Identifiers: MedGen C1843015.
Alzheimer disease 3 (AD3). Also called: ALZHEIMER DISEASE, FAMILIAL, 3. Identifiers: Orphanet 1020, MedGen C1843013, MONDO:0011913, OMIM 607822.

Submissions (2):

Neuberg Centre For Genomic Medicine, NCGM
Classification: Likely pathogenic for Alzheimer disease 3. Review status: criteria provided, single submitter. Criteria: ACMG Guidelines, 2015. Collection method: clinical testing. Allele origin: germline. Inheritance: Autosomal dominant inheritance. Affected: yes.
Comment: The missense variant p.G266S in PSEN1 (NM_000021.4) has been reported treported previously in a Japanese family where it segregated amongst affected members who were affected with Alzheimer with spastic paraparesis and apraxia (Tsutsui MM et al). The variant has been submitted to ClinVar as Pathogenic based on the above publication. It is present in a hotspot region with mutations affecting the neighbouring residues (Tsuitsui MM et al). The p.G266S variant is novel (not in any individuals) in gnomAD Exomes and is novel (not in any individuals) in 1000 Genomes.The p.G266S missense variant is predicted to be damaging by both SIFT and PolyPhen2. The glycine residue at codon 266 of PSEN1 is conserved in all mammalian species. The nucleotide c.796 in PSEN1 is predicted conserved by GERP++ and PhyloP across 100 vertebrates. For these reasons, this variant has been classified as Likely Pathogenic.

OMIM
Classification: Pathogenic for ALZHEIMER DISEASE, FAMILIAL, 3, WITH SPASTIC PARAPARESIS AND APRAXIA. Last evaluated: 2002-04-08. Review status: no assertion criteria provided. Collection method: literature only. Allele origin: germline. Not counted in ClinVar's aggregate classification.

Literature cited by the submitters: PubMed 11920851 (cited by OMIM).

NM_000021.4(PSEN1):c.796G>A (p.Gly266Ser)

Gene: PSEN1 (presenilin 1; plus strand). Cytogenetic location: 14q24.2.
Variant type: single nucleotide variant.
Coding change: c.796G>A on transcript NM_000021.4 (MANE Select); coding-DNA position 796, G replaced by A.
Protein change: p.Gly266Ser; replaces glycine 266 with serine.
Molecular consequence: missense variant.
Genome position (GRCh38, 1-based): chr14:73,198,057, G>A. VCF-style: chr14-73198057-G-A. GRCh37 (hg19) VCF-style: chr14-73664765-G-A.
Other names: c.784G>A, p.Gly262Ser (NM_007318.3); c.796G>A (NM_000021.3); short protein forms G266S, G262S.
Identifiers: ClinVar variation 18144 (VCV000018144.1), dbSNP rs121917807, ClinGen allele CA127839.